The following is an entry in ClinVar:

ClinVar aggregate classification (germline): Pathogenic (1 of 4 stars; one submission).

Conditions:
Acrocallosal syndrome (ACLS). Also called: HALLUX DUPLICATION, POSTAXIAL POLYDACTYLY, AND ABSENCE OF CORPUS CALLOSUM; Schinzel syndrome 1; Absence of corpus callosum with unusual facial appearance, mental deficiency, duplication of the halluces and polydactyly. Identifiers: Orphanet 36, MedGen C0796147, MONDO:0008708, OMIM 200990.

gnomAD v4.1: 2 of 1,603,196 alleles (0.00012%); highest among the groups gnomAD compares: East Asian, 0.0022%; no homozygotes.

Submission:

Labcorp Genetics (formerly Invitae), Labcorp
Classification: Pathogenic for Acrocallosal syndrome. Last evaluated: 2024-12-30. Review status: criteria provided, single submitter. Criteria: Invitae Variant Classification Sherloc (09022015). Collection method: clinical testing. Allele origin: germline.
Comment: This sequence change creates a premature translational stop signal (p.Gln904*) in the KIF7 gene. It is expected to result in an absent or disrupted protein product. Loss-of-function variants in KIF7 are known to be pathogenic (PMID: 19666503, 21552264, 21633164, 26648833). This variant is present in population databases (no rsID available, gnomAD 0.006%). This variant has not been reported in the literature in individuals affected with KIF7-related conditions. For these reasons, this variant has been classified as Pathogenic.

Literature cited by the submitters: PubMed 19666503; PubMed 21552264; PubMed 21633164; PubMed 26648833.

NM_198525.3(KIF7):c.2710C>T (p.Gln904Ter)

Gene: KIF7 (kinesin family member 7; minus strand). Cytogenetic location: 15q26.1.
Variant type: single nucleotide variant.
Coding change: c.2710C>T on transcript NM_198525.3 (MANE Select); coding-DNA position 2710, C replaced by T.
Protein change: p.Gln904Ter; replaces glutamine 904 with a stop codon.
Molecular consequence: nonsense.
Genome position (GRCh38, 1-based): chr15:89,633,149, G>A on the plus strand (C>T on the coding strand, the complement: KIF7 is on the minus strand). VCF-style: chr15-89633149-G-A. GRCh37 (hg19) VCF-style: chr15-90176380-G-A.
Other names: short protein forms Q904*.
Identifiers: ClinVar variation 3683131 (VCV003683131.2).
Genomic context (GRCh38, chr15:89,633,149, plus strand): 5'-CCACCAGCCAGCCCCCAGGGGAGCCCTGGGTGCGGACACAGCCTGGCCCCACCTGCTGCT[G>A]TTCCAGGCTGACCACAGAGCCGTTGCTGCCACTGCGCCTCTTCCTCTGGAATGCCGCGAT-3'